The following is an entry in ClinVar:

NM_000303.3(PMM2):c.470T>C (p.Phe157Ser)

Gene: PMM2 (phosphomannomutase 2; plus strand). Cytogenetic location: 16p13.2.
Variant type: single nucleotide variant.
Coding change: c.470T>C on transcript NM_000303.3 (MANE Select); coding-DNA position 470, T replaced by C.
Protein change: p.Phe157Ser; replaces phenylalanine 157 with serine.
Molecular consequence: missense variant.
Genome position (GRCh38, 1-based): chr16:8,811,660, T>C. VCF-style: chr16-8811660-T-C. GRCh37 (hg19) VCF-style: chr16-8905517-T-C.
Other names: short protein forms F157S.
Identifiers: ClinVar variation 188763 (VCV000188763.83), dbSNP rs190521996, ClinGen allele CA273927.

ClinVar aggregate classification (germline): Pathogenic/Likely pathogenic. Review status: criteria provided, multiple submitters, no conflicts (2 of 4 stars). 25 submissions from 25 submitters: Pathogenic (19); Likely pathogenic (2). 4 of the submissions do not count toward it. Last evaluated 2026-06-07.

Conditions:
PMM2-related disorder. Also called: PMM2-related condition.
Inborn genetic diseases. Identifiers: MedGen C0950123, MeSH D030342.
PMM2-congenital disorder of glycosylation. Also called: PMM2-CDG; CDG Ia; JAEKEN SYNDROME; PHOSPHOMANNOMUTASE 2 DEFICIENCY; Congenital disorder of glycosylation, type Ia; CARBOHYDRATE-DEFICIENT GLYCOPROTEIN SYNDROME, TYPE Ia. Identifiers: Orphanet 79318, MedGen C0349653, MONDO:0008907, OMIM 212065.

Allele frequency attached by ClinVar (database versions not stated): 1000 Genomes Project 30x 0.00016; 1000 Genomes Project 0.00020; ExAC 0.00027; gnomAD exomes 0.00029 and 0.00060; TOPMed 0.00037; gnomAD 0.00040 and 0.00042; ESP Exome Variant Server 0.00069.
gnomAD v4.1: 924 of 1,612,830 alleles (0.057%); highest among the groups gnomAD compares: Non-Finnish European, 0.074%; no homozygotes.

Submissions 1 to 11 of 25:

PreventionGenetics, part of Exact Sciences
Classification: Pathogenic for PMM2-related condition. Last evaluated: 2026-06-07. Review status: criteria provided, single submitter. Criteria: ACMG Guidelines, 2015. Collection method: clinical testing. Allele origin: germline.
Comment: The PMM2 c.470T>C variant is predicted to result in the amino acid substitution p.Phe157Ser. This variant has been documented in many unrelated individuals to be causative for autosomal recessive congenital disorders of glycosylation type Ia due to abolished phosphomannomutase 2 enzyme activity (Matthijs et al. 1999. PubMed ID: 10527672; Vega et al. 2011. PubMed ID: 21541725; Resende et al. 2014. PubMed ID: 24739649). It has been interpreted as pathogenic or likely pathogenic by many independent submitters to ClinVar (Variation ID: 188763). This variant is reported in 0.060% of alleles in individuals of European (Non-Finnish) descent in gnomAD. Taken together, this variant is interpreted as pathogenic.

Dasa
Classification: Pathogenic. Last evaluated: 2026-02-11. Review status: criteria provided, single submitter. Criteria: DASA Assertion Criteria. Collection method: clinical testing. Allele origin: germline.
Comment: NM_000303.3(PMM2):c.470T>C (p.Phe157Ser) is a missense variant that results in the substitution of phenylalanine with serine. Functional evidence supports a deleterious effect on the gene or gene product (PMID: 11156536; PMID: 15645285; PMID: 19357119; PMID: 22012410; PMID: 24739649). This variant has been recurrently observed in individuals with related phenotype (PMID: 11156536; PMID: 15645285; PMID: 19357119; PMID: 22012410; PMID: 24739649). Multiple computational predictions support a deleterious effect on the gene or gene product. The variant is present at low frequency in population datasets. Based on the available data, this variant is classified as pathogenic.

Labcorp Genetics (formerly Invitae), Labcorp
Classification: Pathogenic for PMM2-congenital disorder of glycosylation. Last evaluated: 2026-01-12. Review status: criteria provided, single submitter. Criteria: Invitae Variant Classification Sherloc (09022015). Collection method: clinical testing. Allele origin: germline.
Comment: This sequence change replaces phenylalanine, which is neutral and non-polar, with serine, which is neutral and polar, at codon 157 of the PMM2 protein (p.Phe157Ser). This variant is present in population databases (rs190521996, gnomAD 0.06%). This missense change has been observed in individual(s) with congenital disorder of glycosylation type Ia (PMID: 11156536, 15645285, 19357119, 21541725, 22012410, 24739649, 25355454). In at least one individual the data is consistent with being in trans (on the opposite chromosome) from a pathogenic variant. ClinVar contains an entry for this variant (Variation ID: 188763). Invitae Evidence Modeling of protein sequence and biophysical properties (such as structural, functional, and spatial information, amino acid conservation, physicochemical variation, residue mobility, and thermodynamic stability) indicates that this missense variant is expected to disrupt PMM2 protein function with a positive predictive value of 95%. Experimental studies have shown that this missense change affects PMM2 function (PMID: 21541725). For these reasons, this variant has been classified as Pathogenic.

Otogenetics
Classification: Pathogenic for PMM2-congenital disorder of glycosylation. Last evaluated: 2025-12-29. Review status: criteria provided, single submitter. Criteria: ACMG Guidelines, 2015. Collection method: clinical testing. Allele origin: germline.
Comment: PS3_Supporting: Well-established in vitro and in vivo functional studies supportive of damaging effect on the gene product, with low residual enzymatic activity relative to wild-type reported (PMID: 21541725); PM2: Maximum gnomAD MAF of 0.0737% in European-Non Finnish (NFE) subpopulation (<0.114% threshold); PM3_VeryStrong Variant reported in homozygous state in one affected individual and in trans with multiple pathogenic variants in numerous individuals affected with congenital disorder of glycosylation type 1A (PMID: 11156536, 15645285, 21541725, 22012410, 25497157, 32071842); PP3: In-silico models predict deleterious effect (Revel = 0.98, BayesDel = 0.59)

CeGaT Center for Human Genetics Tuebingen
Classification: Pathogenic. Last evaluated: 2025-12-01. Review status: criteria provided, single submitter. Criteria: CeGaT Center For Human Genetics Tuebingen Variant Classification Criteria Version 2. Collection method: clinical testing. Allele origin: germline. Affected: yes. Observed: 2 variant alleles.
Comment: PMM2: PM3:Very Strong, PM2, PS3:Supporting

Natera, Inc.
Classification: Pathogenic for Congenital disorder of glycosylation type 1a. Last evaluated: 2025-07-22. Review status: criteria provided, single submitter. Criteria: Natera Variant Classification Schema (03/2026). Collection method: clinical testing. Allele origin: germline.
Comment: The c.470T>C variant in PMM2 is a missense variant predicted to cause substitution of phenylalanine to serine at amino acid 157. This variant is rare in the general population with a frequency below the threshold expected for the associated phenotype(s). This variant has been observed in one or more individuals affected with the associated recessive disease, as either homozygous or compound heterozygous with a second variant (PMID: 15844218). Given the available evidence, this variant is classified as Pathogenic.

Ambry Genetics
Classification: Pathogenic for Inborn genetic diseases. Last evaluated: 2025-01-09. Review status: criteria provided, single submitter. Criteria: Ambry Variant Classification Scheme 2023. Collection method: clinical testing. Allele origin: germline.
Comment: The c.470T>C (p.F157S) alteration is located in exon 6 (coding exon 6) of the PMM2 gene. This alteration results from a T to C substitution at nucleotide position 470, causing the phenylalanine (F) at amino acid position 157 to be replaced by a serine (S). Based on data from gnomAD, the C allele has an overall frequency of 0.032% (91/282784) total alleles studied. The highest observed frequency was 0.06% (77/129118) of European (non-Finnish) alleles. This variant has been identified in conjunction with other PMM2 variant(s) in individual(s) with features consistent with PMM2-related congenital disorder of glycosylation (Grunewald, 2001; Briones, 2002; Noelle, 2005; Vega, 2011; Casado, 2012; Monin, 2014; Resende, 2014; Barone, 2015; Serrano, 2015; Starosta, 2021; Bakar, 2022). This amino acid position is highly conserved in available vertebrate species. This alteration is predicted to be deleterious by in silico analysis. Based on the available evidence, this alteration is classified as pathogenic.

Blueprint Genetics
Classification: Pathogenic for PMM2-related disorders. Last evaluated: 2024-11-07. Review status: criteria provided, single submitter. Criteria: ACMG Guidelines, 2015. Collection method: clinical testing. Allele origin: germline. Affected: yes. Observed: 5 variant alleles.

Revvity Omics, Revvity
Classification: Pathogenic for PMM2-congenital disorder of glycosylation. Last evaluated: 2024-01-30. Review status: criteria provided, single submitter. Criteria: ACMG Guidelines, 2015. Collection method: clinical testing. Allele origin: germline.

GeneDx
Classification: Pathogenic. Last evaluated: 2023-05-05. Review status: criteria provided, single submitter. Criteria: GeneDx Variant Classification Process June 2021. Collection method: clinical testing. Allele origin: germline. Affected: yes.
Comment: Published functional studies demonstrate this variant results in complete loss of enzyme activity and may impact the stability and/or structure of the protein (Romano et al., 2009; Vega et al., 2011); In silico analysis supports that this missense variant has a deleterious effect on protein structure/function; This variant is associated with the following publications: (PMID: 17166182, 15844218, 15645285, 29482223, 11343337, 18948042, 19396570, 22012410, 19357119, 10527672, 11156536, 24739649, 28373276, 17920054, 12705494, 12607543, 23430838, 17158594, 25497157, 25355454, 21541725, 32304219, 32630370, 32841164, 33643843, 33413482, 31589614, 34598035, 33580824, 35279850, 33340551)

Greenwood Genetic Center Diagnostic Laboratories, Greenwood Genetic Center
Classification: Pathogenic for PMM2-congenital disorder of glycosylation. Last evaluated: 2022-12-06. Review status: criteria provided, single submitter. Criteria: ACMG Guidelines, 2015. Collection method: clinical testing. Allele origin: germline. Affected: yes.
Comment: PS3, PM3_Strong, PP3